The following is an entry in ClinVar:

ClinVar aggregate classification (germline): Benign (0 of 4 stars; one submission).

Conditions:
QRICH2-related disorder. Also called: QRICH2-related condition.

Allele frequency attached by ClinVar (database versions not stated): ESP Exome Variant Server 0.00015; gnomAD exomes 0.00026; gnomAD 0.00047; TOPMed 0.00054; ExAC 0.00098; 1000 Genomes Project 30x 0.00281; 1000 Genomes Project 0.00319.
gnomAD v4.1: 471 of 1,611,072 alleles (0.029%); highest among the groups gnomAD compares: East Asian, 0.68%; 2 homozygotes.

Submission:

PreventionGenetics, part of Exact Sciences
Classification: Benign for QRICH2-related condition. Last evaluated: 2019-05-28. Review status: no assertion criteria provided. Collection method: clinical testing. Allele origin: germline.
Comment: This variant is classified as benign based on ACMG/AMP sequence variant interpretation guidelines (Richards et al. 2015 PMID: 25741868, with internal and published modifications).

NM_001388453.1(QRICH2):c.4955C>T (p.Ala1652Val)

Gene: QRICH2 (glutamine rich 2; minus strand). Cytogenetic location: 17q25.1.
Variant type: single nucleotide variant.
Coding change: c.4955C>T on transcript NM_001388453.1 (MANE Select); coding-DNA position 4955, C replaced by T.
Protein change: p.Ala1652Val; replaces alanine 1652 with valine.
Molecular consequence: missense variant. On other transcripts: non-coding transcript variant (1).
Genome position (GRCh38, 1-based): chr17:76,278,151, G>A on the plus strand (C>T on the coding strand, the complement: QRICH2 is on the minus strand). VCF-style: chr17-76278151-G-A. GRCh37 (hg19) VCF-style: chr17-74274232-G-A.
Other names: c.4955C>T, p.Ala1652Val (NM_032134.3); short protein forms A1652V.
Identifiers: ClinVar variation 3044394 (VCV003044394.2), dbSNP rs76267026, ClinGen allele CA8783296.